The following is an entry in ClinVar:

ClinVar aggregate classification (germline): Uncertain significance (1 of 4 stars; one submission).

Conditions:
Benign neonatal seizures. Also called: Benign neonatal familial convulsions; Benign familial neonatal epilepsy; Convulsions benign familial neonatal dominant form; Autosomal dominant form of benign neonatal seizures; Benign familial neonatal seizures. Identifiers: Orphanet 1949, MedGen C0220669, MONDO:0016027.

Submission:

Labcorp Genetics (formerly Invitae), Labcorp
Classification: Uncertain significance for Benign neonatal seizures. Last evaluated: 2025-10-21. Review status: criteria provided, single submitter. Criteria: Invitae Variant Classification Sherloc (09022015). Collection method: clinical testing. Allele origin: germline.
Comment: This variant, c.105_107dup, results in the insertion of 1 amino acid(s) of the KCNQ3 protein (p.Ala36dup), but otherwise preserves the integrity of the reading frame. This variant is present in population databases (rs757208144, gnomAD 0.005%). This variant has not been reported in the literature in individuals affected with KCNQ3-related conditions. ClinVar contains an entry for this variant (Variation ID: 860619). Experimental studies and prediction algorithms are not available or were not evaluated, and the functional significance of this variant is currently unknown. In summary, the available evidence is currently insufficient to determine the role of this variant in disease. Therefore, it has been classified as a Variant of Uncertain Significance.

NM_004519.4(KCNQ3):c.99GGC[4] (p.Ala36dup)

Gene: KCNQ3 (potassium voltage-gated channel subfamily Q member 3; minus strand). Cytogenetic location: 8q24.22.
Variant type: Microsatellite.
Coding change: c.99GGC[4] on transcript NM_004519.4 (MANE Select); four copies in a row of the 3-base unit GGC starting at c.99; the reference has three copies in a row; one copy, 3 bases duplicated.
Protein change: p.Ala36dup; duplicates alanine 36.
Molecular consequence: inframe insertion.
Genome position (GRCh38, 1-based): chr8:132,480,426-132,480,428, GCC duplicated on the plus strand (GGC on the coding strand, the reverse complement: KCNQ3 is on the minus strand); duplicating any 3 consecutive bases within chr8:132,480,426-132,480,436 gives the same sequence; the position shown is the placement nearest the transcript's 3' end. VCF-style (leftmost placement, unchanged base first): chr8-132480425-G-GGCC. GRCh37 (hg19) VCF-style: chr8-133492672-G-GGCC.
Identifiers: ClinVar variation 860619 (VCV000860619.9), dbSNP rs757208144, ClinGen allele CA4881022.